The following is an entry in ClinVar:

NM_205836.3(FBXO38):c.2800A>T (p.Asn934Tyr)

Gene: FBXO38 (F-box protein 38; plus strand). Cytogenetic location: 5q32.
Variant type: single nucleotide variant.
Coding change: c.2800A>T on transcript NM_205836.3 (MANE Select); coding-DNA position 2800, A replaced by T.
Protein change: p.Asn934Tyr; replaces asparagine 934 with tyrosine.
Molecular consequence: missense variant.
Genome position (GRCh38, 1-based): chr5:148,433,680, A>T. VCF-style: chr5-148433680-A-T. GRCh37 (hg19) VCF-style: chr5-147813243-A-T.
Other names: c.2065A>T, p.Asn689Tyr (NM_001271723.2); c.2575A>T, p.Asn859Tyr (NM_030793.5); short protein forms N934Y, N859Y, N689Y.
Identifiers: ClinVar variation 1955537 (VCV001955537.5), dbSNP rs1250163654, ClinGen allele CA361659719.

ClinVar aggregate classification (germline): Uncertain significance (1 of 4 stars; one submission).

Conditions:
Distal hereditary motor neuropathy type 2. Identifiers: Orphanet 139525, MedGen C3711384, MeSH C580044, MONDO:0015352.

Allele frequency attached by ClinVar (database versions not stated): gnomAD exomes below 0.00001; TOPMed 0.00001.
gnomAD v4.1: 2 of 1,611,972 alleles (0.00012%); highest among the groups gnomAD compares: African/African-American, 0.0013%; no homozygotes.

Submission:

Labcorp Genetics (formerly Invitae), Labcorp
Classification: Uncertain significance for Distal hereditary motor neuropathy type 2. Last evaluated: 2022-09-28. Review status: criteria provided, single submitter. Criteria: Invitae Variant Classification Sherloc (09022015). Collection method: clinical testing. Allele origin: germline.
Comment: In summary, the available evidence is currently insufficient to determine the role of this variant in disease. Therefore, it has been classified as a Variant of Uncertain Significance. Algorithms developed to predict the effect of missense changes on protein structure and function are either unavailable or do not agree on the potential impact of this missense change (SIFT: "Deleterious"; PolyPhen-2: "Probably Damaging"; Align-GVGD: "Class C15"). This variant has not been reported in the literature in individuals affected with FBXO38-related conditions. This variant is present in population databases (no rsID available, gnomAD 0.007%). This sequence change replaces asparagine, which is neutral and polar, with tyrosine, which is neutral and polar, at codon 859 of the FBXO38 protein (p.Asn859Tyr).